The following is an entry in ClinVar:

ClinVar aggregate classification (germline): Uncertain significance (1 of 4 stars; one submission).

Conditions:
Naxos disease (NXD). Also called: CARDIOMYOPATHY, ARRHYTHMOGENIC RIGHT VENTRICULAR, WITH SKIN, HAIR, AND NAIL ABNORMALITIES; PALMOPLANTAR KERATODERMA WITH ARRHYTHMOGENIC RIGHT VENTRICULAR CARDIOMYOPATHY AND WOOLLY HAIR; WOOLLY HAIR, PALMOPLANTAR KERATODERMA, AND CARDIAC ABNORMALITIES; KERATOSIS PALMOPLANTARIS WITH ARRHYTHMOGENIC CARDIOMYOPATHY; MAL DE NAXOS. Identifiers: Orphanet 34217, MedGen C1832600, MONDO:0011017, OMIM 601214.
Arrhythmogenic right ventricular dysplasia 12. Also called: ARRHYTHMOGENIC RIGHT VENTRICULAR DYSPLASIA, FAMILIAL, 12. Identifiers: MedGen C1969081, MONDO:0012684, OMIM 611528.

Allele frequency attached by ClinVar (database versions not stated): TOPMed below 0.00001.

Submission:

Labcorp Genetics (formerly Invitae), Labcorp
Classification: Uncertain significance for Arrhythmogenic right ventricular dysplasia 12; Naxos disease. Last evaluated: 2025-10-23. Review status: criteria provided, single submitter. Criteria: Invitae Variant Classification Sherloc (09022015). Collection method: clinical testing. Allele origin: germline.
Comment: This sequence change replaces glycine, which is neutral and non-polar, with arginine, which is basic and polar, at codon 269 of the JUP protein (p.Gly269Arg). This variant is not present in population databases (gnomAD no frequency). This variant has not been reported in the literature in individuals affected with JUP-related conditions. ClinVar contains an entry for this variant (Variation ID: 1465900). An algorithm developed to predict the effect of missense changes on protein structure and function (PolyPhen-2) suggests that this variant is likely to be disruptive. In summary, the available evidence is currently insufficient to determine the role of this variant in disease. Therefore, it has been classified as a Variant of Uncertain Significance.

NM_002230.4(JUP):c.805G>A (p.Gly269Arg)

Gene: JUP (junction plakoglobin; minus strand). Cytogenetic location: 17q21.2.
Variant type: single nucleotide variant.
Coding change: c.805G>A on transcript NM_002230.4 (MANE Select); coding-DNA position 805, G replaced by A.
Protein change: p.Gly269Arg; replaces glycine 269 with arginine.
Molecular consequence: missense variant.
Genome position (GRCh38, 1-based): chr17:41,767,483, C>T on the plus strand (G>A on the coding strand, the complement: JUP is on the minus strand). VCF-style: chr17-41767483-C-T. GRCh37 (hg19) VCF-style: chr17-39923735-C-T.
Other names: c.805G>A, p.Gly269Arg (NM_001352773.2, NM_001352774.2, NM_001352775.2 and 3 more transcripts); short protein forms G269R.
Identifiers: ClinVar variation 1465900 (VCV001465900.8), dbSNP rs1915915013, ClinGen allele CA399501147.